The following is an entry in ClinVar:

ClinVar aggregate classification (germline): Uncertain significance (1 of 4 stars; one submission).

Submission:

GeneDx
Classification: Uncertain significance. Last evaluated: 2024-04-23. Review status: criteria provided, single submitter. Criteria: GeneDx Variant Classification Process June 2021. Collection method: clinical testing. Allele origin: germline. Affected: yes.
Comment: In-frame duplication of 6 amino acids in a repetitive region with no known function; Not observed at significant frequency in large population cohorts (gnomAD); Has not been previously published as pathogenic or benign to our knowledge

NM_002516.4(NOVA2):c.723_740dup (p.Ala249_Ser250insAlaSerAlaAlaAlaAla)

Gene: NOVA2 (NOVA alternative splicing regulator 2; minus strand). Cytogenetic location: 19q13.32.
Variant type: Duplication.
Coding change: c.723_740dup on transcript NM_002516.4 (MANE Select); coding-DNA positions 723 to 740, 18 bases duplicated (GGCCGCAGCGTCGGCCGC).
Protein change: p.Ala249_Ser250insAlaSerAlaAlaAlaAla.
Genome position (GRCh38, 1-based): chr19:45,940,602-45,940,619, GCGGCCGACGCTGCGGCC duplicated on the plus strand (GGCCGCAGCGTCGGCCGC on the coding strand, the reverse complement: NOVA2 is on the minus strand); duplicating any 18 consecutive bases within chr19:45,940,602-45,940,624 gives the same sequence; the c. name uses the placement nearest the transcript's 3' end. VCF-style (leftmost placement, unchanged base first): chr19-45940601-G-GGCGGCCGACGCTGCGGCC. GRCh37 (hg19) VCF-style: chr19-46443859-G-GGCGGCCGACGCTGCGGCC.
Identifiers: ClinVar variation 3372999 (VCV003372999.1).